The following is an entry in ClinVar:

NM_014141.6(CNTNAP2):c.3679G>A (p.Ala1227Thr)

Gene: CNTNAP2 (contactin associated protein 2; plus strand). Cytogenetic location: 7q36.1.
Variant type: single nucleotide variant.
Coding change: c.3679G>A on transcript NM_014141.6 (MANE Select); coding-DNA position 3679, G replaced by A.
Protein change: p.Ala1227Thr; replaces alanine 1227 with threonine.
Molecular consequence: missense variant.
Genome position (GRCh38, 1-based): chr7:148,383,852, G>A. VCF-style: chr7-148383852-G-A. GRCh37 (hg19) VCF-style: chr7-148080944-G-A.
Other names: short protein forms A1227T.
Identifiers: ClinVar variation 937098 (VCV000937098.11), dbSNP rs761684414, ClinGen allele CA4546727.
Genomic context (GRCh38, chr7:148,383,852, plus strand): 5'-GGCGAGCTGGTGGAGTCCAACTGCGGGGCCTCGCCGCTGACCCTCTCCCCCATGTCGTCC[G>A]CCACCGACCCCTGGCACCTGGATCACCTGGATTCAGGTAAAGTCTTCAGCAACCTCAGGC-3'
Protein context (NP_054860.1, residues 1217-1237): SPLTLSPMSS[Ala1227Thr]TDPWHLDHLD

ClinVar aggregate classification (germline): Uncertain significance. Review status: criteria provided, multiple submitters, no conflicts (2 of 4 stars). 3 submissions from 3 submitters: Uncertain significance (3). Last evaluated 2026-01-13.

Conditions:
Cortical dysplasia-focal epilepsy syndrome (PTHSL1). Also called: Pitt-Hopkins-like syndrome 1. Identifiers: Orphanet 163681, Orphanet 221150, MedGen C2750246, MONDO:0012400, OMIM 610042.
Intellectual disability. Also called: Intellectual functioning disability; Intellectual developmental disorder; intellectual disabilities. Identifiers: MedGen C3714756, MeSH D008607, MONDO:0001071, HP:0001249.

Allele frequency attached by ClinVar (database versions not stated): gnomAD exomes below 0.00001 and 0.00001; ExAC 0.00001; TOPMed 0.00002.
gnomAD v4.1: 13 of 1,613,840 alleles (0.00081%); highest among the groups gnomAD compares: South Asian, 0.0011%; no homozygotes.

Submissions (3):

Labcorp Genetics (formerly Invitae), Labcorp
Classification: Uncertain significance for Cortical dysplasia-focal epilepsy syndrome. Last evaluated: 2026-01-13. Review status: criteria provided, single submitter. Criteria: Invitae Variant Classification Sherloc (09022015). Collection method: clinical testing. Allele origin: germline.
Comment: This sequence change replaces alanine, which is neutral and non-polar, with threonine, which is neutral and polar, at codon 1227 of the CNTNAP2 protein (p.Ala1227Thr). This variant is present in population databases (rs761684414, gnomAD 0.003%). This missense change has been observed in individual(s) with autism spectrum disorder (PMID: 18179895). ClinVar contains an entry for this variant (Variation ID: 937098). An algorithm developed to predict the effect of missense changes on protein structure and function (PolyPhen-2) suggests that this variant is likely to be tolerated. Experimental studies have shown that this missense change does not substantially affect CNTNAP2 function (PMID: 22872700). In summary, the available evidence is currently insufficient to determine the role of this variant in disease. Therefore, it has been classified as a Variant of Uncertain Significance.

Revvity Omics, Revvity
Classification: Uncertain significance for Cortical dysplasia-focal epilepsy syndrome. Last evaluated: 2022-03-31. Review status: criteria provided, single submitter. Criteria: ACMG Guidelines, 2015. Collection method: clinical testing. Allele origin: germline.

Diagnostic Laboratory, Strasbourg University Hospital
Classification: Uncertain significance for Intellectual disability. Last evaluated: 2020-09-10. Review status: criteria provided, single submitter. Criteria: ACMG Guidelines, 2015. Collection method: clinical testing. Allele origin: paternal. Affected: yes. Observed: 1 heterozygote.

Literature cited by the submitters: PubMed 18179895 (cited by Labcorp Genetics (formerly Invitae), Labcorp); PubMed 22872700 (cited by Labcorp Genetics (formerly Invitae), Labcorp).